The following is an entry in ClinVar:

NM_024596.5(MCPH1):c.1052G>T (p.Ser351Ile)

Gene: MCPH1 (microcephalin 1; plus strand). Cytogenetic location: 8p23.1.
Variant type: single nucleotide variant.
Coding change: c.1052G>T on transcript NM_024596.5 (MANE Select); coding-DNA position 1052, G replaced by T.
Protein change: p.Ser351Ile; replaces serine 351 with isoleucine.
Molecular consequence: missense variant. On other transcripts: non-coding transcript variant (1).
Genome position (GRCh38, 1-based): chr8:6,444,774, G>T. VCF-style: chr8-6444774-G-T. GRCh37 (hg19) VCF-style: chr8-6302295-G-T.
Other names: c.1052G>T, p.Ser351Ile (NM_001172574.2, NM_001322042.2, NM_001363979.1 and 1 more transcripts); c.908G>T, p.Ser303Ile (NM_001172575.2); c.1046G>T, p.Ser349Ile (NM_001322043.2); c.950G>T, p.Ser317Ile (NM_001322045.2); short protein forms S351I, S317I, S349I, S303I.
Identifiers: ClinVar variation 912054 (VCV000912054.5), dbSNP rs145820898, ClinGen allele CA4610443.

ClinVar aggregate classification (germline): Uncertain significance. Review status: criteria provided, multiple submitters, no conflicts (2 of 4 stars). 2 submissions from 2 submitters: Uncertain significance (2). Last evaluated 2023-02-14.

Conditions:
Microcephaly 1, primary, autosomal recessive (MCPH1). Also called: PREMATURE CHROMOSOME CONDENSATION SYNDROME; PCC SYNDROME; PREMATURE CHROMOSOME CONDENSATION WITH MICROCEPHALY AND MENTAL RETARDATION. Identifiers: Orphanet 2512, MedGen C1855081, MONDO:0009617, OMIM 251200.

Allele frequency attached by ClinVar (database versions not stated): gnomAD exomes 0.00003 and 0.00014; TOPMed 0.00004; gnomAD 0.00005 and 0.00007; ExAC 0.00008; 1000 Genomes Project 0.00060; 1000 Genomes Project 30x 0.00062.
gnomAD v4.1: 50 of 1,614,062 alleles (0.0031%); highest among the groups gnomAD compares: East Asian, 0.098%; no homozygotes.

Submissions (2):

GeneDx
Classification: Uncertain significance. Last evaluated: 2023-02-14. Review status: criteria provided, single submitter. Criteria: GeneDx Variant Classification Process June 2021. Collection method: clinical testing. Allele origin: germline. Affected: yes.
Comment: In silico analysis supports that this missense variant has a deleterious effect on protein structure/function; Has not been previously published as pathogenic or benign to our knowledge; This variant is associated with the following publications: (PMID: 23675308, 31257224)

Illumina Laboratory Services, Illumina
Classification: Uncertain significance for Microcephaly 1, primary, autosomal recessive. Last evaluated: 2018-01-12. Review status: criteria provided, single submitter. Criteria: ICSL Variant Classification Criteria 13 December 2019. Collection method: clinical testing. Allele origin: germline.